The following is an entry in ClinVar:

NM_000384.3(APOB):c.286C>G (p.Gln96Glu)

Gene: APOB (apolipoprotein B; minus strand). Cytogenetic location: 2p24.1.
Variant type: single nucleotide variant.
Coding change: c.286C>G on transcript NM_000384.3 (MANE Select); coding-DNA position 286, C replaced by G.
Protein change: p.Gln96Glu; replaces glutamine 96 with glutamic acid.
Molecular consequence: missense variant.
Genome position (GRCh38, 1-based): chr2:21,041,035, G>C on the plus strand (C>G on the coding strand, the complement: APOB is on the minus strand). VCF-style: chr2-21041035-G-C. GRCh37 (hg19) VCF-style: chr2-21263907-G-C.
Other names: c.286C>G (NM_000384.2); short protein forms Q96E.
Identifiers: ClinVar variation 2065457 (VCV002065457.4), dbSNP rs1159073410, ClinGen allele CA345964174.

ClinVar aggregate classification (germline): Uncertain significance. Review status: criteria provided, multiple submitters, no conflicts (2 of 4 stars). 2 submissions from 2 submitters: Uncertain significance (2). Last evaluated 2024-07-31.

Conditions:
Cardiovascular phenotype. Identifiers: MedGen CN230736.
Familial hypobetalipoproteinemia 1. Also called: Hypobetalipoproteinemia, normotriglyceridemic; Acanthocytosis with hypobetalipoproteinemia; APOB-Related Familial Hypobetalipoproteinemia. Identifiers: MedGen C4551990, MONDO:0014252, OMIM 615558.
Hypercholesterolemia, autosomal dominant, type B (FHCL2). Also called: Familial hypercholesterolemia 2; Familial Hypercholesterolemia Type B; APOLIPOPROTEIN B-100, FAMILIAL DEFECTIVE; APOLIPOPROTEIN B-100, FAMILIAL LIGAND-DEFECTIVE; HYPERCHOLESTEROLEMIA, FAMILIAL, DUE TO LIGAND-DEFECTIVE APOLIPOPROTEIN B; Hyperlipoproteinemia Type IIb. Identifiers: MedGen C1704417, MONDO:0007751, OMIM 144010.

Allele frequency attached by ClinVar (database versions not stated): TOPMed below 0.00001; gnomAD 0.00001.
gnomAD v4.1: 1 of 1,613,248 alleles (0.000062%); highest among the groups gnomAD compares: Non-Finnish European, 0.000085%; no homozygotes.

Submissions (2):

Ambry Genetics
Classification: Uncertain significance for Cardiovascular phenotype. Last evaluated: 2024-07-31. Review status: criteria provided, single submitter. Criteria: Ambry Variant Classification Scheme 2023. Collection method: clinical testing. Allele origin: germline.

Labcorp Genetics (formerly Invitae), Labcorp
Classification: Uncertain significance for Familial hypobetalipoproteinemia 1; Hypercholesterolemia, autosomal dominant, type B. Last evaluated: 2022-04-20. Review status: criteria provided, single submitter. Criteria: Invitae Variant Classification Sherloc (09022015). Collection method: clinical testing. Allele origin: germline.
Comment: This sequence change replaces glutamine, which is neutral and polar, with glutamic acid, which is acidic and polar, at codon 96 of the APOB protein (p.Gln96Glu). This variant is not present in population databases (gnomAD no frequency). This variant has not been reported in the literature in individuals affected with APOB-related conditions. Algorithms developed to predict the effect of missense changes on protein structure and function are either unavailable or do not agree on the potential impact of this missense change (SIFT: "Tolerated"; PolyPhen-2: "Possibly Damaging"; Align-GVGD: "Class C0"). In summary, the available evidence is currently insufficient to determine the role of this variant in disease. Therefore, it has been classified as a Variant of Uncertain Significance.